The following is an entry in ClinVar:

NM_172364.5(CACNA2D4):c.2929_2954del (p.Leu977fs)

Gene: CACNA2D4 (calcium voltage-gated channel auxiliary subunit alpha2delta 4; minus strand). Cytogenetic location: 12p13.33.
Variant type: Deletion.
Coding change: c.2929_2954del on transcript NM_172364.5 (MANE Select); coding-DNA positions 2929 to 2954, 26 bases deleted (CTGGAGTGGAGTGTCTGGGGCTCCTG).
Protein change: p.Leu977fs; shifts the reading frame from leucine 977.
Molecular consequence: frameshift variant.
Genome position (GRCh38, 1-based): chr12:1,800,020-1,800,045, CAGGAGCCCCAGACACTCCACTCCAG deleted on the plus strand (CTGGAGTGGAGTGTCTGGGGCTCCTG on the coding strand, the reverse complement: CACNA2D4 is on the minus strand); deleting any 26 consecutive bases within chr12:1,800,020-1,800,050 gives the same sequence; the c. name uses the placement nearest the transcript's 3' end. VCF-style (leftmost placement, unchanged base first): chr12-1800019-CCAGGAGCCCCAGACACTCCACTCCAG-C. GRCh37 (hg19) VCF-style: chr12-1909185-CCAGGAGCCCCAGACACTCCACTCCAG-C.
Other names: short protein forms L977fs.
Identifiers: ClinVar variation 1050972 (VCV001050972.8), dbSNP rs1486003001, ClinGen allele CA686043411.

ClinVar aggregate classification (germline): Conflicting classifications of pathogenicity. Review status: criteria provided, conflicting classifications (1 of 4 stars). 2 submissions from 2 submitters: Likely pathogenic (1); Uncertain significance (1). Last evaluated 2025-10-23.

Conditions:
CACNA2D4-related disorder. Also called: CACNA2D4-related condition.

Submissions (2):

Labcorp Genetics (formerly Invitae), Labcorp
Classification: Uncertain significance. Last evaluated: 2025-10-23. Review status: criteria provided, single submitter. Criteria: Invitae Variant Classification Sherloc (09022015). Collection method: clinical testing. Allele origin: germline.
Comment: This sequence change creates a premature translational stop signal (p.Leu977Valfs*64) in the CACNA2D4 gene. It is expected to result in an absent or disrupted protein product. However, the current clinical and genetic evidence is not sufficient to establish whether loss-of-function variants in CACNA2D4 cause disease. This variant is not present in population databases (gnomAD no frequency). This variant has not been reported in the literature in individuals affected with CACNA2D4-related conditions. ClinVar contains an entry for this variant (Variation ID: 1050972). In summary, the available evidence is currently insufficient to determine the role of this variant in disease. Therefore, it has been classified as a Variant of Uncertain Significance.

Blueprint Genetics
Classification: Likely pathogenic for CACNA2D4-related disorders. Last evaluated: 2024-11-13. Review status: criteria provided, single submitter. Criteria: ACMG Guidelines, 2015. Collection method: clinical testing. Allele origin: germline. Affected: yes. Observed: 4 variant alleles.